The following is an entry in ClinVar:

ClinVar aggregate classification (germline): Pathogenic/Likely pathogenic. Review status: criteria provided, multiple submitters, no conflicts (2 of 4 stars). 6 submissions from 6 submitters: Pathogenic (4); Likely pathogenic (2). Last evaluated 2025-08-15.

Conditions:
Niemann-Pick disease, type C (NPC). Identifiers: Orphanet 646, MedGen C0220756, MONDO:0018982.
Niemann-Pick disease, type C1. Also called: NEUROVISCERAL STORAGE DISEASE WITH VERTICAL SUPRANUCLEAR OPHTHALMOPLEGIA; NIEMANN-PICK DISEASE WITH CHOLESTEROL ESTERIFICATION BLOCK; NIEMANN-PICK DISEASE WITHOUT SPHINGOMYELINASE DEFICIENCY; NIEMANN-PICK DISEASE, CHRONIC NEURONOPATHIC FORM; NIEMANN-PICK DISEASE, VARIANT TYPE C1. Identifiers: Orphanet 646, MedGen C3179455, MONDO:0009757, OMIM 257220.

Allele frequency attached by ClinVar (database versions not stated): gnomAD exomes below 0.00001 and 0.00001; TOPMed below 0.00001; ExAC 0.00001; gnomAD 0.00001.

Submissions (6):

Labcorp Genetics (formerly Invitae), Labcorp
Classification: Pathogenic for Niemann-Pick disease, type C1. Last evaluated: 2025-08-15. Review status: criteria provided, single submitter. Criteria: Invitae Variant Classification Sherloc (09022015). Collection method: clinical testing. Allele origin: germline.
Comment: This sequence change creates a premature translational stop signal (p.Ala1192Thrfs*67) in the NPC1 gene. While this is not anticipated to result in nonsense mediated decay, it is expected to disrupt the last 87 amino acid(s) of the NPC1 protein. This variant is present in population databases (rs750323164, gnomAD 0.004%). This premature translational stop signal has been observed in individual(s) with Niemann-Pick disease type C (PMID: 12955717). This variant is also known as c.3573_3574insACTT. ClinVar contains an entry for this variant (Variation ID: 419323). This variant disrupts a region of the NPC1 protein in which other variant(s) (p.Leu1248Valfs*3) have been determined to be pathogenic (PMID: 10521290, 19744920). This suggests that this is a clinically significant region of the protein, and that variants that disrupt it are likely to be disease-causing. For these reasons, this variant has been classified as Pathogenic.

Women's Health and Genetics/Laboratory Corporation of America, LabCorp
Classification: Likely pathogenic for Niemann-Pick disease, type C. Last evaluated: 2023-12-14. Review status: criteria provided, single submitter. Criteria: LabCorp Variant Classification Summary - May 2015. Collection method: clinical testing. Allele origin: germline.
Comment: Variant summary: NPC1 c.3570_3573dupACTT (p.Ala1192ThrfsX67) results in a premature termination codon, predicted to cause a truncation of the encoded protein or absence of the protein. The variant allele was found at a frequency of 1.2e-05 in 250774 control chromosomes (gnomAD). c.3570_3573dupACTT (also known as c.3573_3574insACTT) has been reported in the literature in individuals affected with Niemann-Pick Disease Type C (example: Saito_2002, Park_2003, Garver_2010). Similar truncations have been reported in bi-allelic patients affected with Niemann-Pick Disease Type C (PMID: 9211849, 16126423). The following publications have been ascertained in the context of this evaluation (PMID: 19744920, 12955717, 12205649). Five submitters have cited clinical-significance assessments for this variant to ClinVar after 2014. All submitters classified the variant as pathogenic/likely pathogenic. Based on the evidence outlined above, the variant was classified as likely pathogenic.

Greenwood Genetic Center Diagnostic Laboratories, Greenwood Genetic Center
Classification: Pathogenic for Niemann-Pick disease, type C1. Last evaluated: 2021-10-29. Review status: criteria provided, single submitter. Criteria: ACMG Guidelines, 2015. Collection method: clinical testing. Allele origin: germline. Affected: yes.
Comment: PVS1, PM2, PS3_Moderate

Genetic Services Laboratory, University of Chicago
Classification: Pathogenic. Last evaluated: 2017-09-29. Review status: criteria provided, single submitter. Criteria: ACMG Guidelines, 2015. Collection method: clinical testing. Allele origin: germline. Affected: yes.

GeneDx
Classification: Likely pathogenic. Last evaluated: 2017-03-10. Review status: criteria provided, single submitter. Criteria: GeneDx Variant Classification (06012015). Collection method: clinical testing. Allele origin: germline. Affected: yes.
Comment: The c.3570_3573dupACTT variant has been previously reported in an individual with Niemann-Pick disease, type Cusing the alternate nomenclature c.3573_3574insACTT. This individual was reported to harbor another variant in theNPC1 gene (Park et al., 2003). The c.3570_3573dupACTT variant causes a frameshift starting with codon Alanine1192, changes this amino acid to a Threonine residue, and creates a premature Stop codon at position 67 of the newreading frame, denoted p.Ala1192ThrfsX67. This variant is predicted to cause loss of normal protein function throughprotein truncation as the last 87 amino acids of the protein are replaced with 66 incorrect ones. Thec.3570_3573dupACTT variant is not observed at a significant frequency in large population cohorts (Lek et al., 2016;1000 Genomes Consortium et al., 2015; Exome Variant Server). In summary, we interpret c.3570_3573dupACTT aslikely pathogenic.

Eurofins Ntd Llc (ga)
Classification: Pathogenic. Last evaluated: 2016-08-25. Review status: criteria provided, single submitter. Criteria: EGL Classification Definitions. Collection method: clinical testing. Allele origin: germline. Observed: 1 variant allele, 1 heterozygote.

Literature cited by the submitters: PubMed 12955717 (cited by Labcorp Genetics (formerly Invitae), Labcorp and Women's Health and Genetics/Laboratory Corporation of America, LabCorp); PubMed 10521290 (cited by Labcorp Genetics (formerly Invitae), Labcorp); PubMed 19744920 (cited by Labcorp Genetics (formerly Invitae), Labcorp and Women's Health and Genetics/Laboratory Corporation of America, LabCorp); PubMed 12205649 (cited by Women's Health and Genetics/Laboratory Corporation of America, LabCorp).

NM_000271.5(NPC1):c.3570_3573dup (p.Ala1192fs)

Gene: NPC1 (NPC intracellular cholesterol transporter 1; minus strand). Cytogenetic location: 18q11.2.
Variant type: Duplication.
Coding change: c.3570_3573dup on transcript NM_000271.5 (MANE Select); coding-DNA positions 3570 to 3573, 4 bases duplicated (ACTT; older notation c.3570_3573dupACTT).
Protein change: p.Ala1192fs; shifts the reading frame from alanine 1192.
Molecular consequence: frameshift variant.
Genome position (GRCh38, 1-based): chr18:23,534,464-23,534,467, AAGT duplicated on the plus strand (ACTT on the coding strand, the reverse complement: NPC1 is on the minus strand). VCF-style (leftmost placement, unchanged base first): chr18-23534463-C-CAAGT. GRCh37 (hg19) VCF-style: chr18-21114427-C-CAAGT.
Other names: c.3570_3573dupACTT (NM_000271.4, NM_000271.5); short protein forms A1192fs.
Identifiers: ClinVar variation 419323 (VCV000419323.23), dbSNP rs750323164, ClinGen allele CA8912722.